The following is an entry in ClinVar:

NM_001130145.3(YAP1):c.879C>T (p.Gly293=)

Gene: YAP1 (Yes1 associated transcriptional regulator; plus strand). Cytogenetic location: 11q22.1.
Variant type: single nucleotide variant.
Coding change: c.879C>T on transcript NM_001130145.3 (MANE Select); coding-DNA position 879, C replaced by T.
Protein change: p.Gly293=; no amino-acid change (glycine 293 retained).
Molecular consequence: synonymous variant.
Genome position (GRCh38, 1-based): chr11:102,205,969, C>T. VCF-style: chr11-102205969-C-T. GRCh37 (hg19) VCF-style: chr11-102076700-C-T.
Other names: c.879C>T, p.Gly293= (NM_001195044.2, NM_001282100.2, NM_001282101.2); c.345C>T, p.Gly115= (NM_001195045.2); c.765C>T, p.Gly255= (NM_001282097.2, NM_001282098.2, NM_001282099.2 and 1 more transcripts).
Identifiers: ClinVar variation 3059192 (VCV003059192.2), dbSNP rs756175059, ClinGen allele CA6246350.
Genomic context (GRCh38, chr11:102,205,969, plus strand): 5'-CAGTCAGAGTGCTCCAGTGAAACAGCCACCACCCCTGGCTCCCCAGAGCCCACAGGGAGG[C>T]GTCATGGGTGGCAGCAACTCCAACCAGCAGCAACAGATGCGACTGCAGCAACTGCAGATG-3'
Protein context (NP_001123617.1, residues 283-303): PPLAPQSPQG[Gly293=]VMGGSNSNQQ

ClinVar aggregate classification (germline): Likely benign (0 of 4 stars; one submission).

Conditions:
YAP1-related disorder. Also called: YAP1-related condition.

Allele frequency attached by ClinVar (database versions not stated): gnomAD 0.00001; TOPMed 0.00001; ExAC 0.00002.
gnomAD v4.1: 25 of 1,613,418 alleles (0.0015%); highest among the groups gnomAD compares: East Asian, 0.022%; no homozygotes.

Submission:

PreventionGenetics, part of Exact Sciences
Classification: Likely benign for YAP1-related condition. Last evaluated: 2019-04-16. Review status: no assertion criteria provided. Collection method: clinical testing. Allele origin: germline.
Comment: This variant is classified as likely benign based on ACMG/AMP sequence variant interpretation guidelines (Richards et al. 2015 PMID: 25741868, with internal and published modifications).